The following is an entry in ClinVar:

ClinVar aggregate classification (germline): Likely benign (1 of 4 stars; one submission).

Conditions:
PLXNA3-related disorder. Also called: PLXNA3-related condition.

gnomAD v4.1: 15 of 1,206,512 alleles (0.0012%); highest among the groups gnomAD compares: East Asian, 0.03%; no homozygotes.

Submission:

PreventionGenetics, part of Exact Sciences
Classification: Likely benign for PLXNA3-related condition. Last evaluated: 2025-01-06. Review status: criteria provided, single submitter. Criteria: ACMG Guidelines, 2015. Collection method: clinical testing. Allele origin: germline.
Comment: This variant is classified as likely benign based on ACMG/AMP sequence variant interpretation guidelines (Richards et al. 2015 PMID: 25741868, with internal and published modifications).

NM_017514.5(PLXNA3):c.1386C>T (p.Ile462=)

Gene: PLXNA3 (plexin A3; plus strand). Cytogenetic location: Xq28.
Variant type: single nucleotide variant.
Coding change: c.1386C>T on transcript NM_017514.5 (MANE Select); coding-DNA position 1386, C replaced by T.
Protein change: p.Ile462=; no amino-acid change (isoleucine 462 retained).
Molecular consequence: synonymous variant.
Genome position (GRCh38, 1-based): chrX:154,463,459, C>T. VCF-style: chrX-154463459-C-T. GRCh37 (hg19) VCF-style: chrX-153691802-C-T.
Identifiers: ClinVar variation 4982877 (VCV004982877.1).
Genomic context (GRCh38, chrX:154,463,459, plus strand): 5'-CGATGGCTTCCAGGATGCCCACCTGTATGAGACAGTCCCCGTGGTGGATGGCAGCCCCAT[C>T]CTCCGAGACCTGCTCTTCAGCCCGGACCACCGGCACATCTATCTCCTGAGTGAGAAGCAG-3'
Protein context (NP_059984.3, residues 452-472): ETVPVVDGSP[Ile462=]LRDLLFSPDH